The following is an entry in ClinVar:

NM_000222.3(KIT):c.543G>C (p.Arg181=)

Gene: KIT (KIT proto-oncogene, receptor tyrosine kinase; plus strand). Cytogenetic location: 4q12.
Variant type: single nucleotide variant.
Coding change: c.543G>C on transcript NM_000222.3 (MANE Select); coding-DNA position 543, G replaced by C.
Protein change: p.Arg181=; no amino-acid change (arginine 181 retained).
Molecular consequence: synonymous variant.
Genome position (GRCh38, 1-based): chr4:54,698,489, G>C. VCF-style: chr4-54698489-G-C. GRCh37 (hg19) VCF-style: chr4-55564655-G-C.
Other names: c.543G>C, p.Arg181= (NM_001093772.2, NM_001385284.1, NM_001385285.1 and 4 more transcripts).
Identifiers: ClinVar variation 415783 (VCV000415783.17), dbSNP rs746419269, ClinGen allele CA2923261.
Genomic context (GRCh38, chr4:54,698,489, plus strand): 5'-GTTTATTCCTGACCCCAAGGCGGGCATCATGATCAAAAGTGTGAAACGCGCCTACCATCG[G>C]CTCTGTCTGCATTGTTCTGTGGACCAGGAGGGCAAGTCAGTGCTGTCGGAAAAATTCATC-3'
Protein context (NP_000213.1, residues 171-191): MIKSVKRAYH[Arg181=]LCLHCSVDQE

ClinVar aggregate classification (germline): Benign/Likely benign. Review status: criteria provided, multiple submitters, no conflicts (2 of 4 stars). 3 submissions from 3 submitters: Benign (1); Likely benign (2). Last evaluated 2026-06-02.

Conditions:
Hereditary cancer-predisposing syndrome. Also called: Neoplastic Syndromes, Hereditary; Hereditary Cancer Syndrome; Hereditary neoplastic syndrome; Tumor predisposition. Identifiers: Orphanet 140162, MedGen C0027672, MeSH D009386, MONDO:0015356.
Gastrointestinal stromal tumor. Also called: Gastrointestinal stroma tumor; Gastrointestinal stromal tumor, somatic. Identifiers: Orphanet 44890, MedGen C0238198, MeSH D046152, MONDO:0011719, OMIM 606764, HP:0100723.

Allele frequency attached by ClinVar (database versions not stated): gnomAD exomes 0.00007; gnomAD 0.00001; TOPMed 0.00003; ExAC 0.00007.
gnomAD v4.1: 22 of 1,614,076 alleles (0.0014%); highest among the groups gnomAD compares: Admixed American, 0.037%; no homozygotes.

Submissions (3):

Myriad Genetics, Inc.
Classification: Benign for Gastrointestinal stromal tumor. Last evaluated: 2026-06-02. Review status: criteria provided, single submitter. Criteria: Myriad Autosomal Dominant, Autosomal Recessive and X-Linked Classification Criteria (2023). Collection method: clinical testing. Allele origin: unknown.
Comment: This variant is considered benign. This variant is a silent/synonymous amino acid change and it is not expected to impact splicing.

Labcorp Genetics (formerly Invitae), Labcorp
Classification: Likely benign for Gastrointestinal stromal tumor. Last evaluated: 2026-02-04. Review status: criteria provided, single submitter. Criteria: Invitae Variant Classification Sherloc (09022015). Collection method: clinical testing. Allele origin: germline.

Ambry Genetics
Classification: Likely benign for Hereditary cancer-predisposing syndrome. Last evaluated: 2019-04-22. Review status: criteria provided, single submitter. Criteria: Ambry Variant Classification Scheme 2023. Collection method: clinical testing. Allele origin: germline.